The following is an entry in ClinVar:

NM_000059.4(BRCA2):c.5212dup (p.Thr1738fs)

Gene: BRCA2 (BRCA2 DNA repair associated; plus strand). Cytogenetic location: 13q13.1.
Variant type: Duplication.
Coding change: c.5212dup on transcript NM_000059.4 (MANE Select); coding-DNA position 5212, one base duplicated (A; older notation c.5212dupA).
Protein change: p.Thr1738fs; shifts the reading frame from threonine 1738.
Molecular consequence: frameshift variant.
Genome position (GRCh38, 1-based): chr13:32,339,567, A duplicated. VCF-style (leftmost placement, unchanged base first): chr13-32339566-T-TA. GRCh37 (hg19) VCF-style: chr13-32913703-T-TA.
Other names: short protein forms T1738fs.
Identifiers: ClinVar variation 628398 (VCV000628398.10), dbSNP rs1566231964, ClinGen allele CA913188626.
Genomic context (GRCh38, chr13:32,339,566, plus strand): 5'-AAATAATTCAAACAGTACTATAGCTGAAAATGACAAAAATCATCTCTCCGAAAAACAAGA[T>TA]ACTTATTTAAGTAACAGTAGCATGTCTAACAGCTATTCCTACCATTCTGATGAGGTATAT-3'

ClinVar aggregate classification (germline): Pathogenic. Review status: criteria provided, multiple submitters, no conflicts (2 of 4 stars). 2 submissions from 2 submitters: Pathogenic (2). Last evaluated 2021-03-31.

Conditions:
Hereditary cancer-predisposing syndrome. Also called: Neoplastic Syndromes, Hereditary; Tumor predisposition; Hereditary neoplastic syndrome; Hereditary Cancer Syndrome. Identifiers: Orphanet 140162, MedGen C0027672, MeSH D009386, MONDO:0015356.
Hereditary breast ovarian cancer syndrome. Also called: Hereditary breast and ovarian cancer syndrome; Hereditary breast and ovarian cancer; Hereditary breast and ovarian cancer syndrome (HBOC); Breast and ovarian cancer; Hereditary breast and/or ovarian cancer syndrome; BRCA1- and BRCA2-Associated Hereditary Breast and Ovarian Cancer. Identifiers: Orphanet 145, MedGen C0677776, MeSH D061325, MONDO:0003582. Disease mechanism: loss of function.

Submissions (2):

Labcorp Genetics (formerly Invitae), Labcorp
Classification: Pathogenic for Hereditary breast ovarian cancer syndrome. Last evaluated: 2021-03-31. Review status: criteria provided, single submitter. Criteria: Invitae Variant Classification Sherloc (09022015). Collection method: clinical testing. Allele origin: germline.
Comment: This sequence change creates a premature translational stop signal (p.Thr1738Asnfs*5) in the BRCA2 gene. It is expected to result in an absent or disrupted protein product. Loss-of-function variants in BRCA2 are known to be pathogenic (PMID: 20104584). For these reasons, this variant has been classified as Pathogenic. This variant has not been reported in the literature in individuals with BRCA2-related conditions. ClinVar contains an entry for this variant (Variation ID: 628398). This variant is not present in population databases (ExAC no frequency).

Color Diagnostics, LLC DBA Color Health
Classification: Pathogenic for Hereditary cancer-predisposing syndrome. Last evaluated: 2020-01-15. Review status: criteria provided, single submitter. Criteria: ACMG Guidelines, 2015. Collection method: clinical testing. Allele origin: germline.
Comment: This variant inserts 1 nucleotide in exon 11 of the BRCA2 gene, creating a frameshift and premature translation stop signal. This variant is expected to result in an absent or non-functional protein product. This variant has not been identified in the general population by the Genome Aggregation Database (gnomAD). Loss of BRCA2 function is a known mechanism of disease. Based on the available evidence, this variant is classified as Pathogenic.

Literature cited by the submitters: PubMed 20104584 (cited by Labcorp Genetics (formerly Invitae), Labcorp).